The following is an entry in ClinVar:

ClinVar aggregate classification (germline): Pathogenic (0 of 4 stars; one submission).

Conditions:
Alkaptonuria (AKU). Also called: Alkaptonuric ochronosis; Homogentisic acidura; Alcaptonuria; HOMOGENTISIC ACID OXIDASE DEFICIENCY. Identifiers: Orphanet 56, MedGen C0002066, MONDO:0008753, OMIM 203500.

Allele frequency attached by ClinVar (database versions not stated): gnomAD exomes below 0.00001.
gnomAD v4.1: 1 of 1,614,078 alleles (0.000062%); highest among the groups gnomAD compares: Non-Finnish European, 0.000085%; no homozygotes.

Submission:

Department Of Human Genetics, Institute Of Clinical And Translational Research, Biomedical Research Center, Slovak Academy Of Sciences
Classification: Pathogenic for Alkaptonuria. Review status: no assertion criteria provided. Collection method: research. Allele origin: germline. Inheritance: Autosomal recessive inheritance. Affected: yes. Observed: 1 variant allele.
Comment: The variant was originally described in AKU patient in PMID:30737480. It has been submitted to the HGD gene mutation database (DB-ID: AKU_00195).

Literature cited by the submitters: PubMed 30737480.

NM_000187.4(HGD):c.508G>A (p.Gly170Ser)

Gene: HGD (homogentisate 1,2-dioxygenase; minus strand). Cytogenetic location: 3q13.33.
Variant type: single nucleotide variant.
Coding change: c.508G>A on transcript NM_000187.4 (MANE Select); coding-DNA position 508, G replaced by A.
Protein change: p.Gly170Ser; replaces glycine 170 with serine.
Molecular consequence: missense variant.
Genome position (GRCh38, 1-based): chr3:120,647,014, C>T on the plus strand (G>A on the coding strand, the complement: HGD is on the minus strand). VCF-style: chr3-120647014-C-T. GRCh37 (hg19) VCF-style: chr3-120365861-C-T.
Other names: short protein forms G170S.
Identifiers: ClinVar variation 2627680 (VCV002627680.1), dbSNP rs2472701905, ClinGen allele CA354077044.